The following is an entry in ClinVar:

ClinVar aggregate classification (germline): Conflicting classifications of pathogenicity. Review status: criteria provided, conflicting classifications (1 of 4 stars). 2 submissions from 2 submitters: Uncertain significance (1); Likely benign (1). Last evaluated 2025-07-24.

Conditions:
Hereditary cancer-predisposing syndrome. Also called: Neoplastic Syndromes, Hereditary; Hereditary Cancer Syndrome; Tumor predisposition; Hereditary neoplastic syndrome. Identifiers: Orphanet 140162, MedGen C0027672, MeSH D009386, MONDO:0015356.
Familial cancer of breast. Also called: Hereditary breast cancer; BREAST CANCER, FAMILIAL; hereditary breast carcinoma. Identifiers: Orphanet 227535, MedGen C0346153, MONDO:0016419, OMIM 114480. Disease mechanism: loss of function.

Allele frequency attached by ClinVar (database versions not stated): gnomAD exomes below 0.00001.
gnomAD v4.1: 2 of 1,526,558 alleles (0.00013%); highest among the groups gnomAD compares: Non-Finnish European, 0.00018%; no homozygotes.

Submissions (2):

Labcorp Genetics (formerly Invitae), Labcorp
Classification: Likely benign for Familial cancer of breast. Last evaluated: 2025-07-24. Review status: criteria provided, single submitter. Criteria: Invitae Variant Classification Sherloc (09022015). Collection method: clinical testing. Allele origin: germline.

Color Diagnostics, LLC DBA Color Health
Classification: Uncertain significance for Hereditary cancer-predisposing syndrome. Last evaluated: 2019-11-25. Review status: criteria provided, single submitter. Criteria: ACMG Guidelines, 2015. Collection method: clinical testing. Allele origin: germline.
Comment: This variant causes a C>A nucleotide substitution at the -15 position of intron 9 of the PALB2 gene. Splice site prediction tools are inconclusive regarding the impact of this variant on RNA splicing. To our knowledge, functional studies have not been performed for this variant. This variant has not been reported in individuals affected with hereditary cancer in the literature. This variant has not been identified in the general population by the Genome Aggregation Database (gnomAD). The available evidence is insufficient to determine the role of this variant in disease conclusively. Therefore, this variant is classified as a Variant of Uncertain Significance.

NM_024675.4(PALB2):c.2997-15C>A

Gene: PALB2 (partner and localizer of BRCA2; minus strand). Cytogenetic location: 16p12.2.
Variant type: single nucleotide variant.
Coding change: c.2997-15C>A on transcript NM_024675.4 (MANE Select); 15 bases into the intron before coding-DNA position 2997, C replaced by A.
Molecular consequence: intron variant.
Genome position (GRCh38, 1-based): chr16:23,621,493, G>T on the plus strand (C>A on the coding strand, the complement: PALB2 is on the minus strand). VCF-style: chr16-23621493-G-T. GRCh37 (hg19) VCF-style: chr16-23632814-G-T.
Identifiers: ClinVar variation 928276 (VCV000928276.12), dbSNP rs1966773679, ClinGen allele CA1139664575.